The following is an entry in ClinVar:

ClinVar aggregate classification (germline): Conflicting classifications of pathogenicity. Review status: criteria provided, conflicting classifications (1 of 4 stars). 2 submissions from 2 submitters: Uncertain significance (1); Likely benign (1). Last evaluated 2026-08-01.

Submissions (2):

CeGaT Center for Human Genetics Tuebingen
Classification: Likely benign. Last evaluated: 2026-08-01. Review status: criteria provided, single submitter. Criteria: CeGaT Center For Human Genetics Tuebingen Variant Classification Criteria Version 2. Collection method: clinical testing. Allele origin: germline. Affected: yes. Observed: 7 variant alleles.
Comment: MAGEL2: BP4, BP7

Blueprint Genetics
Classification: Uncertain significance. Last evaluated: 2022-12-05. Review status: criteria provided, single submitter. Criteria: ACMG Guidelines, 2015. Collection method: clinical testing. Allele origin: germline.

NM_019066.5(MAGEL2):c.1347C>G (p.Pro449=)

Gene: MAGEL2 (MAGE family member L2; minus strand). Cytogenetic location: 15q11.2.
Variant type: single nucleotide variant.
Coding change: c.1347C>G on transcript NM_019066.5 (MANE Select); coding-DNA position 1347, C replaced by G.
Protein change: p.Pro449=; no amino-acid change (proline 449 retained).
Molecular consequence: synonymous variant.
Genome position (GRCh38, 1-based): chr15:23,646,396, G>C on the plus strand (C>G on the coding strand, the complement: MAGEL2 is on the minus strand). VCF-style: chr15-23646396-G-C. GRCh37 (hg19) VCF-style: chr15-23891543-G-C.
Identifiers: ClinVar variation 2644991 (VCV002644991.25), dbSNP rs376561425, ClinGen allele CA267660466.